The following is an entry in ClinVar:

NM_000038.6(APC):c.3331G>C (p.Glu1111Gln)

Gene: APC (APC regulator of Wnt signaling pathway; plus strand). Cytogenetic location: 5q22.2.
Variant type: single nucleotide variant.
Coding change: c.3331G>C on transcript NM_000038.6 (MANE Select); coding-DNA position 3331, G replaced by C.
Protein change: p.Glu1111Gln; replaces glutamic acid 1111 with glutamine.
Molecular consequence: missense variant.
Genome position (GRCh38, 1-based): chr5:112,838,925, G>C. VCF-style: chr5-112838925-G-C. GRCh37 (hg19) VCF-style: chr5-112174622-G-C.
Other names: c.3331G>C, p.Glu1111Gln (NM_001127510.3, NM_001354895.2); c.3277G>C, p.Glu1093Gln (NM_001127511.3); c.3385G>C, p.Glu1129Gln (NM_001354896.2); c.3361G>C, p.Glu1121Gln (NM_001354897.2); c.3256G>C, p.Glu1086Gln (NM_001354898.2); c.3247G>C, p.Glu1083Gln (NM_001354899.2); c.3208G>C, p.Glu1070Gln (NM_001354900.2); c.3154G>C, p.Glu1052Gln (NM_001354901.2); and 5 more; short protein forms E1010Q, E1052Q, E1086Q, E1111Q, E1121Q, E985Q, E1070Q, E1083Q.
Identifiers: ClinVar variation 1385987 (VCV001385987.8), dbSNP rs2149889708, ClinGen allele CA16028636.
Genomic context (GRCh38, chr5:112,838,925, plus strand): 5'-CCACATTTTGGACAGCAGGAATGTGTTTCTCCATACAGGTCACGGGGAGCCAATGGTTCA[G>C]AAACAAATCGAGTGGGTTCTAATCATGGAATTAATCAAAATGTAAGCCAGTCTTTGTGTC-3'
Protein context (NP_000029.2, residues 1101-1121): PYRSRGANGS[Glu1111Gln]TNRVGSNHGI

ClinVar aggregate classification (germline): Uncertain significance (1 of 4 stars; one submission).

Conditions:
Familial adenomatous polyposis 1 (FAP1). Also called: FAMILIAL ADENOMATOUS POLYPOSIS 1, ATTENUATED; POLYPOSIS, ADENOMATOUS INTESTINAL. Identifiers: MedGen C2713442, MONDO:0021056, OMIM 175100. Disease mechanism: loss of function.

Submission:

Labcorp Genetics (formerly Invitae), Labcorp
Classification: Uncertain significance for Familial adenomatous polyposis 1. Last evaluated: 2021-04-05. Review status: criteria provided, single submitter. Criteria: Invitae Variant Classification Sherloc (09022015). Collection method: clinical testing. Allele origin: germline.
Comment: In summary, the available evidence is currently insufficient to determine the role of this variant in disease. Therefore, it has been classified as a Variant of Uncertain Significance. Algorithms developed to predict the effect of missense changes on protein structure and function are either unavailable or do not agree on the potential impact of this missense change (SIFT: "Deleterious"; PolyPhen-2: "Possibly Damaging"; Align-GVGD: "Class C0"). This variant has not been reported in the literature in individuals with APC-related conditions. This variant is not present in population databases (ExAC no frequency). This sequence change replaces glutamic acid with glutamine at codon 1111 of the APC protein (p.Glu1111Gln). The glutamic acid residue is highly conserved and there is a small physicochemical difference between glutamic acid and glutamine.